The following is an entry in ClinVar:

NM_206933.4(USH2A):c.1227G>C (p.Trp409Cys)

Gene: USH2A (usherin; minus strand). Cytogenetic location: 1q41.
Variant type: single nucleotide variant.
Coding change: c.1227G>C on transcript NM_206933.4 (MANE Select); coding-DNA position 1227, G replaced by C.
Protein change: p.Trp409Cys; replaces tryptophan 409 with cysteine.
Molecular consequence: missense variant.
Genome position (GRCh38, 1-based): chr1:216,324,269, C>G on the plus strand (G>C on the coding strand, the complement: USH2A is on the minus strand). VCF-style: chr1-216324269-C-G. GRCh37 (hg19) VCF-style: chr1-216497611-C-G.
Other names: c.1227G>C, p.Trp409Cys (NM_007123.6); short protein forms W409C.
Identifiers: ClinVar variation 48393 (VCV000048393.5), dbSNP rs397517979, ClinGen allele CA262075.
Genomic context (GRCh38, chr1:216,324,269, plus strand): 5'-ATCTCCATTGTTTTTCATTCCAAAAGCACCACAATTCCTGGCAAAATATTGCCAGTCCTC[C>G]CAATCTAAACTATTTTCCTTCTTCCTTTGAATCCTTATTTCCGTTGGTTGTGGACTAAAG-3'
Protein context (NP_996816.3, residues 399-419): IQRKKENSLD[Trp409Cys]EDWQYFARNC

ClinVar aggregate classification (germline): Likely pathogenic (1 of 4 stars; one submission).

Conditions:
Rare genetic deafness. Identifiers: Orphanet 96210, MedGen C5680250.

Submission:

Laboratory for Molecular Medicine, Mass General Brigham Personalized Medicine
Classification: Likely pathogenic for Rare genetic deafness. Last evaluated: 2013-03-05. Review status: criteria provided, single submitter. Criteria: LMM Criteria. Collection method: clinical testing. Allele origin: germline. Observed: 3 variant alleles.
Comment: In addition, this variant has not been i dentified in large and broad populations by the NHLBI Exome Sequencing Project. Computational analyses (biochemical amino ac id properties, conservation, AlignGVGD, PolyPhen2, and SIFT) suggest that the Tr p409Cys variant is more likely to impact the protein, though this information is not predictive enough to assume pathogenicity. In summary, this variant is like ly to be pathogenic due to its presence in trans with a second pathogenic USH2A variant in an affected individual, though additional studies are required to ful ly establish its clinical significance.